The following is an entry in ClinVar:

NM_001267550.2(TTN):c.104049T>C (p.Leu34683=)

Genes: TTN (titin; minus strand), TTN-AS1 (TTN antisense RNA 1; plus strand). Cytogenetic location: 2q31.2.
Variant type: single nucleotide variant.
Coding change: c.104049T>C on transcript NM_001267550.2 (MANE Select); coding-DNA position 104049, T replaced by C.
Protein change: p.Leu34683=; no amino-acid change (leucine 34683 retained).
Molecular consequence: synonymous variant.
Genome position (GRCh38, 1-based): chr2:178,532,566, A>G on the plus strand (T>C on the coding strand, the complement: TTN is on the minus strand). VCF-style: chr2-178532566-A-G. GRCh37 (hg19) VCF-style: chr2-179397293-A-G.
Other names: c.99126T>C, p.Leu33042= (NM_001256850.1); c.76854T>C, p.Leu25618= (NM_003319.4); c.96345T>C, p.Leu32115= (NM_133378.4); c.77229T>C, p.Leu25743= (NM_133432.3); c.77430T>C, p.Leu25810= (NM_133437.4).
Identifiers: ClinVar variation 513046 (VCV000513046.15), dbSNP rs1553489508, ClinGen allele CA430236145.

ClinVar aggregate classification (germline): Likely benign. Review status: criteria provided, multiple submitters, no conflicts (2 of 4 stars). 5 submissions from 5 submitters: Likely benign (5). Last evaluated 2026-01-19.

Conditions:
Autosomal recessive limb-girdle muscular dystrophy type 2J (LGMDR10). Also called: Limb-girdle muscular dystrophy, type 2J; MUSCULAR DYSTROPHY, LIMB-GIRDLE, AUTOSOMAL RECESSIVE 10. Identifiers: Orphanet 140922, MedGen C1837342, MONDO:0012127, OMIM 608807.
Dilated cardiomyopathy 1G (CMD1G). Identifiers: Orphanet 154, MedGen C1858763, MONDO:0011400, OMIM 604145.
Cardiovascular phenotype. Identifiers: MedGen CN230736.
Cardiomyopathy (CMYO). Also called: Cardiomyopathies. Identifiers: Orphanet 167848, MedGen C0878544, MONDO:0004994, HP:0001638. Inheritance: Various modes of inheritance.

Allele frequency attached by ClinVar (database versions not stated): gnomAD exomes 0.00001.
gnomAD v4.1: 20 of 1,613,948 alleles (0.0012%); highest among the groups gnomAD compares: Non-Finnish European, 0.0016%; no homozygotes.

Submissions (5):

Labcorp Genetics (formerly Invitae), Labcorp
Classification: Likely benign for Dilated cardiomyopathy 1G; Autosomal recessive limb-girdle muscular dystrophy type 2J. Last evaluated: 2026-01-19. Review status: criteria provided, single submitter. Criteria: Invitae Variant Classification Sherloc (09022015). Collection method: clinical testing. Allele origin: germline.

Ambry Genetics
Classification: Likely benign for Cardiovascular phenotype. Last evaluated: 2024-11-10. Review status: criteria provided, single submitter. Criteria: Ambry Variant Classification Scheme 2023. Collection method: clinical testing. Allele origin: germline.

Blueprint Genetics
Classification: Likely benign. Last evaluated: 2024-08-14. Review status: criteria provided, single submitter. Criteria: ACMG Guidelines, 2015. Collection method: clinical testing. Allele origin: germline.

CHEO Genetics Diagnostic Laboratory, Children's Hospital of Eastern Ontario
Classification: Likely benign for Cardiomyopathy. Last evaluated: 2018-01-24. Review status: criteria provided, single submitter. Criteria: ACMG Guidelines, 2015. Collection method: clinical testing. Allele origin: germline.

GeneDx
Classification: Likely benign. Last evaluated: 2017-10-25. Review status: criteria provided, single submitter. Criteria: GeneDx Variant Classification (06012015). Collection method: clinical testing. Allele origin: germline. Affected: yes.
Comment: This variant is considered likely benign or benign based on one or more of the following criteria: it is a conservative change, it occurs at a poorly conserved position in the protein, it is predicted to be benign by multiple in silico algorithms, and/or has population frequency not consistent with disease.